The following is an entry in ClinVar:

NM_001845.6(COL4A1):c.3212T>C (p.Ile1071Thr)

Gene: COL4A1 (collagen type IV alpha 1 chain; minus strand). Cytogenetic location: 13q34.
Variant type: single nucleotide variant.
Coding change: c.3212T>C on transcript NM_001845.6 (MANE Select); coding-DNA position 3212, T replaced by C.
Protein change: p.Ile1071Thr; replaces isoleucine 1071 with threonine.
Molecular consequence: missense variant.
Genome position (GRCh38, 1-based): chr13:110,174,736, A>G on the plus strand (T>C on the coding strand, the complement: COL4A1 is on the minus strand). VCF-style: chr13-110174736-A-G. GRCh37 (hg19) VCF-style: chr13-110827083-A-G.
Other names: short protein forms I1071T.
Identifiers: ClinVar variation 3675384 (VCV003675384.2).
Genomic context (GRCh38, chr13:110,174,736, plus strand): 5'-CCTGGGATCCCAATGCTTCCTTTTTCTCCCTTCTCTCCAGGGCTTCCTGGGAAACCCGCT[A>G]TCCCTTGATCTCCCTGCAAGTAAAAGTCAGGCATATTAACTTTACATTTGTCCATGGGCA-3'
Protein context (NP_001836.3, residues 1061-1081): GLRGEKGDQG[Ile1071Thr]AGFPGSPGEK

ClinVar aggregate classification (germline): Uncertain significance (1 of 4 stars; one submission).

gnomAD v4.1: 8 of 1,613,482 alleles (0.0005%); highest among the groups gnomAD compares: Non-Finnish European, 0.00068%; no homozygotes.

Submission:

Labcorp Genetics (formerly Invitae), Labcorp
Classification: Uncertain significance. Last evaluated: 2025-01-29. Review status: criteria provided, single submitter. Criteria: Invitae Variant Classification Sherloc (09022015). Collection method: clinical testing. Allele origin: germline.
Comment: This sequence change replaces isoleucine, which is neutral and non-polar, with threonine, which is neutral and polar, at codon 1071 of the COL4A1 protein (p.Ile1071Thr). This variant is present in population databases (no rsID available, gnomAD 0.0009%). This variant has not been reported in the literature in individuals affected with COL4A1-related conditions. Invitae Evidence Modeling of protein sequence and biophysical properties (such as structural, functional, and spatial information, amino acid conservation, physicochemical variation, residue mobility, and thermodynamic stability) indicates that this missense variant is not expected to disrupt COL4A1 protein function with a negative predictive value of 95%. In summary, the available evidence is currently insufficient to determine the role of this variant in disease. Therefore, it has been classified as a Variant of Uncertain Significance.